The following is an entry in ClinVar:

ClinVar aggregate classification (germline): Pathogenic (1 of 4 stars; one submission).

Conditions:
Deficiency of aromatic-L-amino-acid decarboxylase. Also called: Aromatic L-Amino Acid Decarboxylase Deficiency; Aromatic amino acid decarboxylase deficiency; DDC DEFICIENCY; DOPA DECARBOXYLASE DEFICIENCY; AADC DEFICIENCY. Identifiers: Orphanet 35708, MedGen C1291564, MONDO:0012084, OMIM 608643.

Submission:

Labcorp Genetics (formerly Invitae), Labcorp
Classification: Pathogenic for Deficiency of aromatic-L-amino-acid decarboxylase. Last evaluated: 2023-06-24. Review status: criteria provided, single submitter. Criteria: Invitae Variant Classification Sherloc (09022015). Collection method: clinical testing. Allele origin: germline.
Comment: This variant is not present in population databases (gnomAD no frequency). This sequence change creates a premature translational stop signal (p.Glu292Cysfs*7) in the DDC gene. It is expected to result in an absent or disrupted protein product. Loss-of-function variants in DDC are known to be pathogenic (PMID: 15079002, 24788355). This variant has not been reported in the literature in individuals affected with DDC-related conditions. For these reasons, this variant has been classified as Pathogenic. Algorithms developed to predict the effect of sequence changes on RNA splicing suggest that this variant may disrupt the consensus splice site.

Literature cited by the submitters: PubMed 15079002; PubMed 24788355.

NM_001082971.2(DDC):c.867_871TGGAG[1] (p.Glu292fs)

Gene: DDC (dopa decarboxylase; minus strand). Cytogenetic location: 7p12.2.
Variant type: Microsatellite.
Coding change: c.867_871TGGAG[1] on transcript NM_001082971.2 (MANE Select).
Protein change: p.Glu292fs; shifts the reading frame from glutamic acid 292.
Molecular consequence: frameshift variant.
Genome position: GRCh38 VCF-style: chr7-50499147-CCTCCA-C. GRCh37 (hg19) VCF-style: chr7-50566845-CCTCCA-C.
Other names: c.867_871TGGAG[1], p.Glu292fs (NM_000790.4, NM_001242890.2); c.753_757TGGAG[1], p.Glu254fs (NM_001242886.2); c.723_727TGGAG[1], p.Glu244fs (NM_001242887.2); c.633_637TGGAG[1], p.Glu214fs (NM_001242888.2); c.588_592TGGAG[1], p.Glu199fs (NM_001242889.2); short protein forms E199fs, E214fs, E244fs, E254fs, E292fs.
Identifiers: ClinVar variation 3020017 (VCV003020017.3), dbSNP rs2043190798, ClinGen allele CA1706629042.